The following is an entry in ClinVar:

NM_001399.5(EDA):c.187G>A (p.Glu63Lys)

Gene: EDA (ectodysplasin A; plus strand). Cytogenetic location: Xq13.1.
Variant type: single nucleotide variant.
Coding change: c.187G>A on transcript NM_001399.5 (MANE Select); coding-DNA position 187, G replaced by A.
Protein change: p.Glu63Lys; replaces glutamic acid 63 with lysine.
Molecular consequence: missense variant.
Genome position (GRCh38, 1-based): chrX:69,616,495, G>A. VCF-style: chrX-69616495-G-A. GRCh37 (hg19) VCF-style: chrX-68836339-G-A.
Other names: c.187G>A, p.Glu63Lys (NM_001005609.2, NM_001005610.4, NM_001005612.3 and 1 more transcripts); c.187G>A (NM_001399.4); short protein forms E63K.
Identifiers: ClinVar variation 11034 (VCV000011034.2), dbSNP rs132630311, ClinGen allele CA255653.

ClinVar aggregate classification (germline): Likely pathogenic. Review status: criteria provided, single submitter (1 of 4 stars). 2 submissions from 2 submitters: Likely pathogenic (1). 1 of the submissions does not count toward it. Last evaluated 2025-03-03.

Conditions:
Hypohidrotic X-linked ectodermal dysplasia (XHED). Also called: Ectodermal Dysplasia 1, Anhidrotic; Christ-Siemans-Touraine syndrome; ECTODERMAL DYSPLASIA, HYPOHIDROTIC, 1; CST SYNDROME; ECTODERMAL DYSPLASIA 1; Anhidrotic ectodermal dysplasia X-linked. Identifiers: Orphanet 181, Orphanet 238468, MedGen C0162359, MONDO:0010585, OMIM 305100.

Submissions (2):

GeneDx
Classification: Likely pathogenic. Last evaluated: 2025-03-03. Review status: criteria provided, single submitter. Criteria: GeneDx Variant Classification Process June 2021. Collection method: clinical testing. Allele origin: germline. Affected: yes.
Comment: Not observed at significant frequency in large population cohorts (gnomAD); In silico analysis supports that this missense variant has a deleterious effect on protein structure/function; Missense variants in this gene are a common cause of disease and they are underrepresented in the general population; Also known as 429 G>A; This variant is associated with the following publications: (PMID: 11279189, 11378824, 12949972, 9507389)

OMIM
Classification: Pathogenic for ECTODERMAL DYSPLASIA 1, HYPOHIDROTIC/HAIR/TOOTH TYPE, X-LINKED. Last evaluated: 1998-02-01. Review status: no assertion criteria provided. Collection method: literature only. Allele origin: germline. Not counted in ClinVar's aggregate classification.

Literature cited by the submitters: PubMed 9507389 (cited by OMIM).